The following is an entry in ClinVar:

NM_032043.3(BRIP1):c.2176G>A (p.Glu726Lys)

Gene: BRIP1 (BRCA1 interacting DNA helicase 1; minus strand). Cytogenetic location: 17q23.2.
Variant type: single nucleotide variant.
Coding change: c.2176G>A on transcript NM_032043.3 (MANE Select); coding-DNA position 2176, G replaced by A.
Protein change: p.Glu726Lys; replaces glutamic acid 726 with lysine.
Molecular consequence: missense variant.
Genome position (GRCh38, 1-based): chr17:61,744,513, C>T on the plus strand (G>A on the coding strand, the complement: BRIP1 is on the minus strand). VCF-style: chr17-61744513-C-T. GRCh37 (hg19) VCF-style: chr17-59821874-C-T.
Other names: short protein forms E726K.
Identifiers: ClinVar variation 232536 (VCV000232536.5), dbSNP rs876659826, ClinGen allele CA10580814.

ClinVar aggregate classification (germline): Uncertain significance (1 of 4 stars; one submission).

Conditions:
Hereditary cancer-predisposing syndrome. Also called: Neoplastic Syndromes, Hereditary; Tumor predisposition; Hereditary Cancer Syndrome; Hereditary neoplastic syndrome. Identifiers: Orphanet 140162, MedGen C0027672, MeSH D009386, MONDO:0015356.

Submission:

Ambry Genetics
Classification: Uncertain significance for Hereditary cancer-predisposing syndrome. Last evaluated: 2015-06-24. Review status: criteria provided, single submitter. Criteria: Ambry Variant Classification Scheme 2023. Collection method: clinical testing. Allele origin: germline.
Comment: The p.E726K variant (also known as c.2176G>A), located in coding exon 14 of the BRIP1 gene, results from a G to A substitution at nucleotide position 2176. The glutamic acid at codon 726 is replaced by lysine, an amino acid with similar properties. This variant was not reported in population based cohorts in the following databases: Database of Single Nucleotide Polymorphisms (dbSNP), NHLBI Exome Sequencing Project (ESP), and 1000 Genomes Project. In the ESP, this variant was not observed in 6503 samples (13006 alleles) with coverage at this position. To date, this alteration has been detected with an allele frequency of approximately 0.002% (greater than 65000 alleles tested) in our clinical cohort. This amino acid position is highly conserved in available vertebrate species. In addition, this alteration is predicted to be deleterious by in silico analysis. Since supporting evidence is limited at this time, the clinical significance of p.E726K remains unclear.